The following is an entry in ClinVar:

NM_018062.4(FANCL):c.193G>A (p.Gly65Arg)

Gene: FANCL (FA complementation group L; minus strand). Cytogenetic location: 2p16.1.
Variant type: single nucleotide variant.
Coding change: c.193G>A on transcript NM_018062.4 (MANE Select); coding-DNA position 193, G replaced by A.
Protein change: p.Gly65Arg; replaces glycine 65 with arginine.
Molecular consequence: missense variant. On other transcripts: non-coding transcript variant (1).
Genome position (GRCh38, 1-based): chr2:58,229,837, C>T on the plus strand (G>A on the coding strand, the complement: FANCL is on the minus strand). VCF-style: chr2-58229837-C-T. GRCh37 (hg19) VCF-style: chr2-58456972-C-T.
Other names: c.193G>A, p.Gly65Arg (NM_001114636.2, NM_001374615.1, NM_001410792.1); short protein forms G65R.
Identifiers: ClinVar variation 3718855 (VCV003718855.2).

ClinVar aggregate classification (germline): Uncertain significance (1 of 4 stars; one submission).

Conditions:
Fanconi anemia (FA). Also called: Fanconi's anemia. Identifiers: Orphanet 84, MedGen C0015625, MeSH D005199, MONDO:0019391.

Submission:

Labcorp Genetics (formerly Invitae), Labcorp
Classification: Uncertain significance for Fanconi anemia. Last evaluated: 2024-03-13. Review status: criteria provided, single submitter. Criteria: Invitae Variant Classification Sherloc (09022015). Collection method: clinical testing. Allele origin: germline.
Comment: This sequence change replaces glycine, which is neutral and non-polar, with arginine, which is basic and polar, at codon 65 of the FANCL protein (p.Gly65Arg). This variant is not present in population databases (gnomAD no frequency). This variant has not been reported in the literature in individuals affected with FANCL-related conditions. Advanced modeling of protein sequence and biophysical properties (such as structural, functional, and spatial information, amino acid conservation, physicochemical variation, residue mobility, and thermodynamic stability) performed at Invitae indicates that this missense variant is not expected to disrupt FANCL protein function with a negative predictive value of 80%. In summary, the available evidence is currently insufficient to determine the role of this variant in disease. Therefore, it has been classified as a Variant of Uncertain Significance.